The following is an entry in ClinVar:

NM_004722.4(AP4M1):c.1079C>A (p.Ala360Asp)

Gene: AP4M1 (adaptor related protein complex 4 subunit mu 1; plus strand). Cytogenetic location: 7q22.1.
Variant type: single nucleotide variant.
Coding change: c.1079C>A on transcript NM_004722.4 (MANE Select); coding-DNA position 1079, C replaced by A.
Protein change: p.Ala360Asp; replaces alanine 360 with aspartic acid.
Molecular consequence: missense variant.
Genome position (GRCh38, 1-based): chr7:100,106,456, C>A. VCF-style: chr7-100106456-C-A. GRCh37 (hg19) VCF-style: chr7-99704079-C-A.
Other names: c.1100C>A, p.Ala367Asp (NM_001363671.2); short protein forms A360D, A367D.
Identifiers: ClinVar variation 570275 (VCV000570275.16), dbSNP rs145979929, ClinGen allele CA4374965.

ClinVar aggregate classification (germline): Uncertain significance. Review status: criteria provided, multiple submitters, no conflicts (2 of 4 stars). 4 submissions from 4 submitters: Uncertain significance (3). 1 of the submissions does not count toward it. Last evaluated 2024-12-09.

Conditions:
AP4M1-related disorder. Also called: AP4M1-related condition.
Hereditary spastic paraplegia 50 (SPG50). Also called: Spastic paraplegia 50, autosomal recessive. Identifiers: Orphanet 280763, MedGen C2752008, MONDO:0013048, OMIM 612936.

Allele frequency attached by ClinVar (database versions not stated): gnomAD exomes 0.00005 and 0.00016; ExAC 0.00019; 1000 Genomes Project 30x 0.00031; 1000 Genomes Project 0.00040; gnomAD 0.00043 and 0.00047; TOPMed 0.00062; ESP Exome Variant Server 0.00069.
gnomAD v4.1: 144 of 1,613,860 alleles (0.0089%); highest among the groups gnomAD compares: African/African-American, 0.14%; no homozygotes.

Submissions (4):

Labcorp Genetics (formerly Invitae), Labcorp
Classification: Uncertain significance for Hereditary spastic paraplegia 50. Last evaluated: 2024-12-09. Review status: criteria provided, single submitter. Criteria: Invitae Variant Classification Sherloc (09022015). Collection method: clinical testing. Allele origin: germline.
Comment: This sequence change replaces alanine, which is neutral and non-polar, with aspartic acid, which is acidic and polar, at codon 360 of the AP4M1 protein (p.Ala360Asp). This variant is present in population databases (rs145979929, gnomAD 0.2%). This variant has not been reported in the literature in individuals affected with AP4M1-related conditions. ClinVar contains an entry for this variant (Variation ID: 570275). Invitae Evidence Modeling of protein sequence and biophysical properties (such as structural, functional, and spatial information, amino acid conservation, physicochemical variation, residue mobility, and thermodynamic stability) has been performed for this missense variant. However, the output from this modeling did not meet the statistical confidence thresholds required to predict the impact of this variant on AP4M1 protein function. In summary, the available evidence is currently insufficient to determine the role of this variant in disease. Therefore, it has been classified as a Variant of Uncertain Significance.

GeneDx
Classification: Uncertain significance. Last evaluated: 2022-07-24. Review status: criteria provided, single submitter. Criteria: GeneDx Variant Classification Process June 2021. Collection method: clinical testing. Allele origin: germline. Affected: yes.
Comment: In silico analysis supports that this missense variant does not alter protein structure/function; Has not been previously published as pathogenic or benign to our knowledge

Mayo Clinic Laboratories, Mayo Clinic
Classification: Uncertain significance. Last evaluated: 2020-03-11. Review status: criteria provided, single submitter. Criteria: ACMG Guidelines, 2015. Collection method: clinical testing. Allele origin: germline. Observed: 1 variant allele.

PreventionGenetics, part of Exact Sciences
Classification: Likely benign for AP4M1-related condition. Last evaluated: 2022-03-01. Review status: no assertion criteria provided. Collection method: clinical testing. Allele origin: germline. Not counted in ClinVar's aggregate classification.
Comment: This variant is classified as likely benign based on ACMG/AMP sequence variant interpretation guidelines (Richards et al. 2015 PMID: 25741868, with internal and published modifications).